The following is an entry in ClinVar:

NM_001366385.1(CARD14):c.2408C>T (p.Thr803Met)

Genes: CARD14 (caspase recruitment domain family member 14; plus strand), SGSH (N-sulfoglucosamine sulfohydrolase; minus strand), LOC126862662 (MED14-independent group 3 enhancer GRCh37_chr17:78178385-78179584; plus strand). Cytogenetic location: 17q25.3.
Variant type: single nucleotide variant.
Coding change: c.2408C>T on transcript NM_001366385.1 (MANE Select); coding-DNA position 2408, C replaced by T.
Protein change: p.Thr803Met; replaces threonine 803 with methionine.
Molecular consequence: missense variant. On other transcripts: non-coding transcript variant (1).
Genome position (GRCh38, 1-based): chr17:80,205,044, C>T. VCF-style: chr17-80205044-C-T. GRCh37 (hg19) VCF-style: chr17-78178843-C-T.
Other names: c.2408C>T, p.Thr803Met (NM_024110.4); short protein forms T803M.
Identifiers: ClinVar variation 1415864 (VCV001415864.8), dbSNP rs748305221, ClinGen allele CA401355808.

ClinVar aggregate classification (germline): Uncertain significance (1 of 4 stars; one submission).

Conditions:
Pityriasis rubra pilaris (PRP). Also called: Pityriasis rubra pilaris--familial type. Identifiers: Orphanet 2897, MedGen C0032027, MONDO:0100017, OMIM 173200, MONDO:0008251.
Psoriasis 2. Identifiers: MedGen C1864497, MONDO:0011269, OMIM 602723.

Allele frequency attached by ClinVar (database versions not stated): gnomAD 0.00001.
gnomAD v4.1: 15 of 1,596,436 alleles (0.00094%); highest among the groups gnomAD compares: East Asian, 0.0022%; no homozygotes.

Submission:

Labcorp Genetics (formerly Invitae), Labcorp
Classification: Uncertain significance for Pityriasis rubra pilaris; Psoriasis 2. Last evaluated: 2021-01-19. Review status: criteria provided, single submitter. Criteria: Invitae Variant Classification Sherloc (09022015). Collection method: clinical testing. Allele origin: germline.
Comment: In summary, the available evidence is currently insufficient to determine the role of this variant in disease. Therefore, it has been classified as a Variant of Uncertain Significance. Algorithms developed to predict the effect of missense changes on protein structure and function output the following: SIFT: "Tolerated"; PolyPhen-2: "Benign"; Align-GVGD: "Class C0". The methionine amino acid residue is found in multiple mammalian species, suggesting that this missense change does not adversely affect protein function. These predictions have not been confirmed by published functional studies and their clinical significance is uncertain. This variant has not been reported in the literature in individuals with CARD14-related conditions. This variant is not present in population databases (ExAC no frequency). This sequence change replaces threonine with methionine at codon 803 of the CARD14 protein (p.Thr803Met). The threonine residue is weakly conserved and there is a moderate physicochemical difference between threonine and methionine.